The following is an entry in ClinVar:

NM_182961.4(SYNE1):c.26278G>A (p.Gly8760Arg)

Genes: ESR1 (estrogen receptor 1; plus strand), SYNE1 (spectrin repeat containing nuclear envelope protein 1; minus strand). Cytogenetic location: 6q25.2.
Variant type: single nucleotide variant.
Coding change: c.26278G>A on transcript NM_182961.4 (MANE Select); coding-DNA position 26278, G replaced by A.
Protein change: p.Gly8760Arg; replaces glycine 8760 with arginine.
Molecular consequence: missense variant. On other transcripts: 3 prime UTR variant (1), intron variant (1).
Genome position (GRCh38, 1-based): chr6:152,122,552, C>T on the plus strand (G>A on the coding strand, the complement: SYNE1 is on the minus strand). VCF-style: chr6-152122552-C-T. GRCh37 (hg19) VCF-style: chr6-152443687-C-T.
Other names: c.*89G>A (NM_001347701.2); c.2812G>A, p.Gly938Arg (NM_001347702.2); c.26134G>A, p.Gly8712Arg (NM_033071.5); c.851-2714C>T (NM_001328100.2); short protein forms G8712R, G8760R, G938R.
Identifiers: ClinVar variation 860559 (VCV000860559.9), dbSNP rs758464869, ClinGen allele CA4052595.

ClinVar aggregate classification (germline): Uncertain significance (1 of 4 stars; one submission).

Conditions:
Emery-Dreifuss muscular dystrophy 4, autosomal dominant (EDMD4). Also called: EMERY-DREIFUSS MUSCULAR DYSTROPHY 4 WITH VARIABLE FEATURES. Identifiers: Orphanet 261, MedGen C2751807, MONDO:0013071, OMIM 612998.
Autosomal recessive ataxia, Beauce type. Also called: Spinocerebellar ataxia, autosomal recessive 8; SYNE1-Related Autosomal Recessive Cerebellar Ataxia; SYNE1 Deficiency; ATAXIA, RECESSIVE, OF BEAUCE. Identifiers: Orphanet 88644, MedGen C1853116, MONDO:0012549, OMIM 610743.

Allele frequency attached by ClinVar (database versions not stated): TOPMed 0.00002; ExAC 0.00003; gnomAD exomes 0.00001 and 0.00002; gnomAD 0.00002.
gnomAD v4.1: 18 of 1,614,010 alleles (0.0011%); highest among the groups gnomAD compares: African/African-American, 0.0067%; no homozygotes.

Submissions (2):

Labcorp Genetics (formerly Invitae), Labcorp
Classification: Uncertain significance for Emery-Dreifuss muscular dystrophy 4, autosomal dominant; Autosomal recessive ataxia, Beauce type. Last evaluated: 2021-08-24. Review status: criteria provided, single submitter. Criteria: Invitae Variant Classification Sherloc (09022015). Collection method: clinical testing. Allele origin: germline.
Comment: This sequence change replaces glycine with arginine at codon 8712 of the SYNE1 protein (p.Gly8712Arg). The glycine residue is highly conserved and there is a moderate physicochemical difference between glycine and arginine. This variant is present in population databases (rs758464869, ExAC 0.01%). This variant has not been reported in the literature in individuals affected with SYNE1-related conditions. Algorithms developed to predict the effect of missense changes on protein structure and function are either unavailable or do not agree on the potential impact of this missense change (SIFT: "Deleterious"; PolyPhen-2: "Probably Damaging"; Align-GVGD: "Class C0"). Algorithms developed to predict the effect of sequence changes on RNA splicing suggest that this variant may create or strengthen a splice site. In summary, the available evidence is currently insufficient to determine the role of this variant in disease. Therefore, it has been classified as a Variant of Uncertain Significance.

Dr. Peter K. Rogan Lab, Western University
No classification provided (evidence only). Condition: Squamous cell lung carcinoma. Review status: no classification provided. Collection method: in vitro. Allele origin: not applicable. Functional consequence: retained intron. Not counted in ClinVar's aggregate classification.